The following is an entry in ClinVar:

ClinVar aggregate classification (germline): Uncertain significance (1 of 4 stars; one submission).

Allele frequency attached by ClinVar (database versions not stated): TOPMed below 0.00001; ExAC 0.00001; gnomAD exomes 0.00002.
gnomAD v4.1: 23 of 1,613,588 alleles (0.0014%); highest among the groups gnomAD compares: Non-Finnish European, 0.0019%; no homozygotes.

Submission:

Labcorp Genetics (formerly Invitae), Labcorp
Classification: Uncertain significance. Last evaluated: 2022-06-17. Review status: criteria provided, single submitter. Criteria: Invitae Variant Classification Sherloc (09022015). Collection method: clinical testing. Allele origin: germline.
Comment: Algorithms developed to predict the effect of missense changes on protein structure and function (SIFT, PolyPhen-2, Align-GVGD) all suggest that this variant is likely to be disruptive. In summary, the available evidence is currently insufficient to determine the role of this variant in disease. Therefore, it has been classified as a Variant of Uncertain Significance. This sequence change replaces isoleucine, which is neutral and non-polar, with threonine, which is neutral and polar, at codon 884 of the ADGRA3 protein (p.Ile884Thr). This variant is present in population databases (rs751782928, gnomAD 0.0009%). This variant has not been reported in the literature in individuals affected with ADGRA3-related conditions.

NM_145290.4(ADGRA3):c.2651T>C (p.Ile884Thr)

Gene: ADGRA3 (adhesion G protein-coupled receptor A3; minus strand). Cytogenetic location: 4p15.2.
Variant type: single nucleotide variant.
Coding change: c.2651T>C on transcript NM_145290.4 (MANE Select); coding-DNA position 2651, T replaced by C.
Protein change: p.Ile884Thr; replaces isoleucine 884 with threonine.
Molecular consequence: missense variant.
Genome position (GRCh38, 1-based): chr4:22,389,160, A>G on the plus strand (T>C on the coding strand, the complement: ADGRA3 is on the minus strand). VCF-style: chr4-22389160-A-G. GRCh37 (hg19) VCF-style: chr4-22390783-A-G.
Other names: short protein forms I884T.
Identifiers: ClinVar variation 2134458 (VCV002134458.4), dbSNP rs751782928, ClinGen allele CA2873569.
Genomic context (GRCh38, chr4:22,389,160, plus strand): 5'-GGCCGACTGCCGTAATTCTTAATGTTCGCTGCTGCAGTTATGCCGCAAACAATGATGGGG[A>G]TACCACCACCAATCAGGTAAAATCTAGAAGGAGGAATCACAGGAAAAACCACTCATCATT-3'
Protein context (NP_660333.2, residues 874-894): MLRFYLIGGG[Ile884Thr]PIIVCGITAA